The following is an entry in ClinVar:

NM_001148.6(ANK2):c.1705G>A (p.Val569Ile)

Gene: ANK2 (ankyrin 2; plus strand). Cytogenetic location: 4q26.
Variant type: single nucleotide variant.
Coding change: c.1705G>A on transcript NM_001148.6 (MANE Select); coding-DNA position 1705, G replaced by A.
Protein change: p.Val569Ile; replaces valine 569 with isoleucine.
Molecular consequence: missense variant.
Genome position (GRCh38, 1-based): chr4:113,277,858, G>A. VCF-style: chr4-113277858-G-A. GRCh37 (hg19) VCF-style: chr4-114199014-G-A.
Other names: c.1642G>A, p.Val548Ile (NM_001354243.2, NM_001354244.2, NM_001354252.2 and 14 more transcripts); c.1705G>A, p.Val569Ile (NM_001354245.2, NM_001354246.2, NM_001354268.2 and 8 more transcripts); c.1618G>A, p.Val540Ile (NM_001354249.2, NM_001354271.2, NM_001354274.2 and 13 more transcripts); c.1495G>A, p.Val499Ile (NM_001354269.3); c.1507G>A, p.Val503Ile (NM_001354273.2); c.1420G>A, p.Val474Ile (NM_001354277.2, NM_001386157.1, NM_001386158.1); c.1750G>A, p.Val584Ile (NM_001354230.2, NM_001354231.2, NM_001354237.2 and 5 more transcripts); c.1663G>A, p.Val555Ile (NM_001354261.2, NM_001386147.1, NM_001386160.1); and 4 more; short protein forms V499I, V555I, V565I, V578I, V503I, V548I, V584I, V586I.
Identifiers: ClinVar variation 1778432 (VCV001778432.3), dbSNP rs1300426284, ClinGen allele CA357910696.

ClinVar aggregate classification (germline): Uncertain significance. Review status: criteria provided, multiple submitters, no conflicts (2 of 4 stars). 2 submissions from 2 submitters: Uncertain significance (2). Last evaluated 2025-11-05.

Conditions:
Long QT syndrome (LQTS). Identifiers: MedGen C0023976, MeSH D008133, MONDO:0002442. Disease mechanism: loss of function. Inheritance: Various modes of inheritance.
Cardiovascular phenotype. Identifiers: MedGen CN230736.

Allele frequency attached by ClinVar (database versions not stated): TOPMed 0.00001.
gnomAD v4.1: 3 of 1,613,860 alleles (0.00019%); highest among the groups gnomAD compares: Non-Finnish European, 0.00025%; no homozygotes.

Submissions (2):

Labcorp Genetics (formerly Invitae), Labcorp
Classification: Uncertain significance for Long QT syndrome. Last evaluated: 2025-11-05. Review status: criteria provided, single submitter. Criteria: Invitae Variant Classification Sherloc (09022015). Collection method: clinical testing. Allele origin: germline.
Comment: This sequence change replaces valine, which is neutral and non-polar, with isoleucine, which is neutral and non-polar, at codon 569 of the ANK2 protein (p.Val569Ile). This variant is not present in population databases (gnomAD no frequency). This variant has not been reported in the literature in individuals affected with ANK2-related conditions. ClinVar contains an entry for this variant (Variation ID: 1778432). Invitae Evidence Modeling of protein sequence and biophysical properties (such as structural, functional, and spatial information, amino acid conservation, physicochemical variation, residue mobility, and thermodynamic stability) indicates that this missense variant is not expected to disrupt ANK2 protein function with a negative predictive value of 80%. In summary, the available evidence is currently insufficient to determine the role of this variant in disease. Therefore, it has been classified as a Variant of Uncertain Significance.

Ambry Genetics
Classification: Uncertain significance for Cardiovascular phenotype. Last evaluated: 2022-04-21. Review status: criteria provided, single submitter. Criteria: Ambry Variant Classification Scheme 2023. Collection method: clinical testing. Allele origin: germline.
Comment: The p.V569I variant (also known as c.1705G>A), located in coding exon 16 of the ANK2 gene, results from a G to A substitution at nucleotide position 1705. The valine at codon 569 is replaced by isoleucine, an amino acid with highly similar properties. This amino acid position is conserved. In addition, this alteration is predicted to be tolerated by in silico analysis. Since supporting evidence is limited at this time, the clinical significance of this alteration remains unclear.